The following is an entry in ClinVar:

ClinVar aggregate classification (germline): Uncertain significance (1 of 4 stars; one submission).

Conditions:
Cardiovascular phenotype. Identifiers: MedGen CN230736.

gnomAD v4.1: 1 of 1,610,252 alleles (0.000062%); highest among the groups gnomAD compares: Non-Finnish European, 0.000085%; no homozygotes.

Submission:

Ambry Genetics
Classification: Uncertain significance for Cardiovascular phenotype. Last evaluated: 2019-08-10. Review status: criteria provided, single submitter. Criteria: Ambry Variant Classification Scheme 2023. Collection method: clinical testing. Allele origin: germline.
Comment: The p.R56P variant (also known as c.167G>C), located in coding exon 2 of the KCNH2 gene, results from a G to C substitution at nucleotide position 167. The arginine at codon 56 is replaced by proline, an amino acid with dissimilar properties, and is located in the cytoplasmic (PAS) region of the protein. A different alteration located at the same position, p.R56Q, has been detected in individuals with long QT syndrome (LQTS) (Splawski I et al. Circulation, 2000 Sep;102:1178-85; Moss AJ et al. Circulation, 2002 Feb;105:794-9) and has been shown to increase the rate of reactivation in functional studies (Jou CJ et al. Circ. Res., 2013 Mar;112:826-30; Chen J et al. J. Biol. Chem., 1999 Apr;274:10113-8). This amino acid position is highly conserved in available vertebrate species. In addition, this alteration is predicted to be deleterious by in silico analysis. Since supporting evidence is limited at this time, the clinical significance of this alteration remains unclear.

NM_000238.4(KCNH2):c.167G>C (p.Arg56Pro)

Gene: KCNH2 (potassium voltage-gated channel subfamily H member 2; minus strand). Cytogenetic location: 7q36.1.
Variant type: single nucleotide variant.
Coding change: c.167G>C on transcript NM_000238.4 (MANE Select); coding-DNA position 167, G replaced by C.
Protein change: p.Arg56Pro; replaces arginine 56 with proline.
Molecular consequence: missense variant.
Genome position (GRCh38, 1-based): chr7:150,974,851, C>G on the plus strand (G>C on the coding strand, the complement: KCNH2 is on the minus strand). VCF-style: chr7-150974851-C-G. GRCh37 (hg19) VCF-style: chr7-150671939-C-G.
Other names: c.-11G>C (NM_001406755.1); c.167G>C, p.Arg56Pro (NM_172056.3); short protein forms R56P.
Identifiers: ClinVar variation 1777880 (VCV001777880.2), dbSNP rs199472845, ClinGen allele CA369865760.